The following is an entry in ClinVar:

NM_001384732.1(CPLANE1):c.2093A>G (p.Asn698Ser)

Gene: CPLANE1 (ciliogenesis and planar polarity effector complex subunit 1; minus strand). Cytogenetic location: 5p13.2.
Variant type: single nucleotide variant.
Coding change: c.2093A>G on transcript NM_001384732.1 (MANE Select); coding-DNA position 2093, A replaced by G.
Protein change: p.Asn698Ser; replaces asparagine 698 with serine.
Molecular consequence: missense variant.
Genome position (GRCh38, 1-based): chr5:37,226,502, T>C on the plus strand (A>G on the coding strand, the complement: CPLANE1 is on the minus strand). VCF-style: chr5-37226502-T-C. GRCh37 (hg19) VCF-style: chr5-37226604-T-C.
Other names: c.2093A>G, p.Asn698Ser (NM_023073.4); short protein forms N698S.
Identifiers: ClinVar variation 2099576 (VCV002099576.4), dbSNP rs561814300, ClinGen allele CA117057403.

ClinVar aggregate classification (germline): Uncertain significance (1 of 4 stars; one submission).

Allele frequency attached by ClinVar (database versions not stated): gnomAD exomes 0.00001.
gnomAD v4.1: 3 of 1,549,028 alleles (0.00019%); highest among the groups gnomAD compares: South Asian, 0.0012%; no homozygotes.

Submission:

Labcorp Genetics (formerly Invitae), Labcorp
Classification: Uncertain significance. Last evaluated: 2022-02-19. Review status: criteria provided, single submitter. Criteria: Invitae Variant Classification Sherloc (09022015). Collection method: clinical testing. Allele origin: germline.
Comment: This sequence change replaces asparagine, which is neutral and polar, with serine, which is neutral and polar, at codon 698 of the CPLANE1 protein (p.Asn698Ser). In summary, the available evidence is currently insufficient to determine the role of this variant in disease. Therefore, it has been classified as a Variant of Uncertain Significance. Advanced modeling of protein sequence and biophysical properties (such as structural, functional, and spatial information, amino acid conservation, physicochemical variation, residue mobility, and thermodynamic stability) performed at Invitae indicates that this missense variant is not expected to disrupt CPLANE1 protein function. This variant has not been reported in the literature in individuals affected with CPLANE1-related conditions. This variant is not present in population databases (gnomAD no frequency).